The following is an entry in ClinVar:

NM_176869.3(PPA2):c.514G>A (p.Glu172Lys)

Gene: PPA2 (inorganic pyrophosphatase 2; minus strand). Cytogenetic location: 4q24.
Variant type: single nucleotide variant.
Coding change: c.514G>A on transcript NM_176869.3 (MANE Select); coding-DNA position 514, G replaced by A.
Protein change: p.Glu172Lys; replaces glutamic acid 172 with lysine.
Molecular consequence: missense variant. On other transcripts: intron variant (3).
Genome position (GRCh38, 1-based): chr4:105,437,964, C>T on the plus strand (G>A on the coding strand, the complement: PPA2 is on the minus strand). VCF-style: chr4-105437964-C-T. GRCh37 (hg19) VCF-style: chr4-106359121-C-T.
Other names: p.Glu172Lys; c.157+35930G>A (NM_176867.3); c.223-13642G>A (NM_176866.2); c.441+8419G>A (NM_006903.4); short protein forms E172K.
Identifiers: ClinVar variation 372222 (VCV000372222.43), dbSNP rs146013446, ClinGen allele CA3032509.
Genomic context (GRCh38, chr4:105,437,964, plus strand): 5'-ATAAACCAAAACTCACGTTAGAATTAATACAGTCTATAAAACAAACCTTTGAGCCTATTT[C>T]GCAAACATCAATAGGATCATTATCTCCAAAGCAGTTCGTGCTCTTATCTTTTTCATGGGG-3'
Protein context (NP_789845.1, residues 162-182): FGDNDPIDVC[Glu172Lys]IGSKILSCGE

ClinVar aggregate classification (germline): Pathogenic/Likely pathogenic. Review status: criteria provided, multiple submitters, no conflicts (2 of 4 stars). 21 submissions from 20 submitters: Pathogenic (13); Likely pathogenic (3). 5 of the submissions do not count toward it. Last evaluated 2026-03-05.

Conditions:
Sudden cardiac failure, alcohol-induced (SCFAI). Identifiers: MedGen C4310663, MONDO:0014974, OMIM 617223.
Sudden cardiac failure, infantile (SCFI). Identifiers: MedGen C4310664, MONDO:0014973, OMIM 617222.
Cardiovascular phenotype. Identifiers: MedGen CN230736.
Inborn genetic diseases. Identifiers: MedGen C0950123, MeSH D030342.
PPA2-related disorder. Also called: PPA2-related condition; PPA2-related disorders.

Allele frequency attached by ClinVar (database versions not stated): 1000 Genomes Project 30x 0.00016; 1000 Genomes Project 0.00020; ESP Exome Variant Server 0.00046; ExAC 0.00049; gnomAD exomes 0.00049; TOPMed 0.00054; gnomAD 0.00069 and 0.00070.
gnomAD v4.1: 1,649 of 1,606,152 alleles (0.1%); highest among the groups gnomAD compares: Non-Finnish European, 0.13%; no homozygotes.

Submissions 1 to 10 of 21:

PreventionGenetics, part of Exact Sciences
Classification: Likely pathogenic for PPA2-related condition. Last evaluated: 2026-03-05. Review status: criteria provided, single submitter. Criteria: ACMG Guidelines, 2015. Collection method: clinical testing. Allele origin: germline.
Comment: The PPA2 c.514G>A variant is predicted to result in the amino acid substitution p.Glu172Lys. This variant has been reported in the compound heterozygous state in individuals with sudden cardiac death and/or severe childhood-onset cardiomyopathy (Guimier et al. 2016. PubMed ID: 27523598; Kennedy et al. 2016. PubMed ID: 27523597; Vasilescu et al. 2018. PubMed ID: 30384889; Table S2, Bowling et al. 2022. PubMed ID: 34930662; Janin et al. 2022. PubMed ID: 35838873). This variant was also reported to segregate with disease in affected individuals from at least three different families (Guimier et al. 2016. PubMed ID: 27523598; Kennedy et al. 2016. PubMed ID: 27523597; Vasilescu et al. 2018. PubMed ID: 30384889). Functional studies have shown that this variant alters protein function (Guimier et al. 2016. PubMed ID: 27523598; Kennedy et al. 2016. PubMed ID: 27523597). This variant is reported in 0.095% of alleles in individuals of European (Non-Finnish) descent in gnomAD. This variant is interpreted as likely pathogenic.

Labcorp Genetics (formerly Invitae), Labcorp
Classification: Pathogenic. Last evaluated: 2026-01-19. Review status: criteria provided, single submitter. Criteria: Invitae Variant Classification Sherloc (09022015). Collection method: clinical testing. Allele origin: germline.
Comment: This sequence change replaces glutamic acid, which is acidic and polar, with lysine, which is basic and polar, at codon 172 of the PPA2 protein (p.Glu172Lys). This variant is present in population databases (rs146013446, gnomAD 0.09%), and has an allele count higher than expected for a pathogenic variant. This missense change has been observed in individuals with clinical features of sudden cardiac failure (PMID: 27523597, 27523598, 30384889). It has also been observed to segregate with disease in related individuals. ClinVar contains an entry for this variant (Variation ID: 372222). Invitae Evidence Modeling of protein sequence and biophysical properties (such as structural, functional, and spatial information, amino acid conservation, physicochemical variation, residue mobility, and thermodynamic stability) indicates that this missense variant is expected to disrupt PPA2 protein function with a positive predictive value of 95%. Experimental studies have shown that this missense change affects PPA2 function (PMID: 27523597, 27523598). For these reasons, this variant has been classified as Pathogenic.

Mayo Clinic Laboratories, Mayo Clinic
Classification: Pathogenic. Last evaluated: 2025-10-09. Review status: criteria provided, single submitter. Criteria: ACMG Guidelines, 2015. Collection method: clinical testing. Allele origin: germline. Observed: 1 variant allele.
Comment: PP1_strong, PM3_strong, PS3_supporting

GeneDx
Classification: Pathogenic. Last evaluated: 2025-07-03. Review status: criteria provided, single submitter. Criteria: GeneDx Variant Classification Process June 2021. Collection method: clinical testing. Allele origin: germline. Affected: yes.
Comment: Published functional studies demonstrate this variant results in decreased enzyme activity (PMID: 27523597, 27523598); In silico analysis supports that this missense variant has a deleterious effect on protein structure/function; This variant is associated with the following publications: (PMID: 34930662, 34758253, 27523598, 31705601, 30847666, 33028643, 34426522, 32917565, 30384889, 27523597, 34400813, 36757698, 34587765, 35838873)

Ambry Genetics
Classification: Pathogenic for Inborn genetic diseases. Last evaluated: 2025-04-07. Review status: criteria provided, single submitter. Criteria: Ambry Variant Classification Scheme 2023. Collection method: clinical testing. Allele origin: germline.
Comment: The c.514G>A (p.E172K) alteration is located in exon 6 (coding exon 6) of the PPA2 gene. This alteration results from a G to A substitution at nucleotide position 514, causing the glutamic acid (E) at amino acid position 172 to be replaced by a lysine (K). Based on data from gnomAD, the A allele has an overall frequency of 0.053% (147/275080) total alleles studied. The highest observed frequency was 0.095% (120/126898) of European (non-Finnish) alleles. This mutation has been identified in several individuals with a second PPA2 variant with features consistent with PPA2-related early sudden cardiac failure and has been shown to segregate with disease in multiple families (Guimier, 2016; Kennedy, 2016; Vasilescu, 2018; Sanford, 2020; Guimier, 2021). This amino acid position is well conserved in available vertebrate species. Fibroblasts from affected individuals demonstrated a significant decrease or loss of the PPA2 protein (Guimier, 2016; Vasilescu, 2018). In E. coli, this variant demonstrated <10% residual activity compared to wildtype (Kennedy, 2016). The in silico prediction for this alteration is inconclusive. Based on the available evidence, this alteration is classified as pathogenic.

Molecular Diagnostic Laboratory for Inherited Cardiovascular Disease, Montreal Heart Institute
Classification: Pathogenic for Cardiovascular phenotype. Last evaluated: 2024-10-29. Review status: criteria provided, single submitter. Criteria: ACMG Guidelines, 2015. Collection method: clinical testing. Allele origin: germline. Affected: yes.
Comment: PS3, PS4, PP1_strong, PM2, PM3, PP3

Blueprint Genetics
Classification: Pathogenic for PPA2-related disorders. Last evaluated: 2024-10-23. Review status: criteria provided, single submitter. Criteria: ACMG Guidelines, 2015. Collection method: clinical testing. Allele origin: germline. Affected: yes. Observed: 5 variant alleles.

Genomic Medicine Center of Excellence, King Faisal Specialist Hospital and Research Centre
Classification: Likely pathogenic for Sudden cardiac failure, infantile. Last evaluated: 2024-03-25. Review status: criteria provided, single submitter. Criteria: ACMG Guidelines, 2015. Collection method: clinical testing. Allele origin: germline.

Victorian Clinical Genetics Services, Murdoch Childrens Research Institute
Classification: Pathogenic for Sudden cardiac failure, infantile. Last evaluated: 2023-07-17. Review status: criteria provided, single submitter. Criteria: ACMG Guidelines, 2015. Collection method: clinical testing. Allele origin: germline. Inheritance: Autosomal recessive inheritance. Affected: yes.
Comment: Based on the classification scheme VCGS_Germline_v1.3.4, this variant is classified as Pathogenic. The following criteria are met: 0102 - Loss of function is a known mechanism of disease in this gene and is associated with sudden cardiac failure, infantile (MIM#617222). (I) 0106 - This gene is associated with autosomal recessive disease. (I) 0200 - Variant is predicted to result in a missense amino acid change from glutamic acid to lysine. (I) 0251 - This variant is heterozygous. (I) 0304 - Variant is present in gnomAD <0.01 for a recessive condition (v2 & v3: 221 heterozygotes, 0 homozygotes). (SP) 0502 - Missense variant with conflicting in silico predictions and uninformative conservation. (I) 0600 - Variant is located in the annotated pyrophosphatase domain (DECIPHER). (I) 0801 - This variant has very strong previous evidence of pathogenicity in unrelated individuals. This variant has previously been reported in multiple unrelated families with PPA2-related mitochondrial disease leading to sudden cardiac arrest in both infants and adults (ClinVar; PMIDs: 27523598; 27523597; 30384889). (SP) 0901 - This variant has strong evidence for segregation with disease. This variant was shown to segregate with disease in the previously reported families (PMIDs: 27523597; 30384889). (SP) 1001 - This variant has strong functional evidence supporting abnormal protein function. Pyrophosphatase activity was performed using cells in which this variant was introduced into the wild-type PPA2 sequence. This resulted in a 10%-15% residual enzyme activity (PMID: 27523597). In addition, functional studies performed on patient fibroblasts demonstrated reduced steady state protein (PMID: 27523598). (SP) 1101 - Very strong and specific phenotype match for this individual. (I) Legend: (SP) - Supporting pathogenic, (I) - Information, (SB) - Supporting benign

Revvity Omics, Revvity
Classification: Pathogenic. Last evaluated: 2022-11-01. Review status: criteria provided, single submitter. Criteria: ACMG Guidelines, 2015. Collection method: clinical testing. Allele origin: germline.